The following is an entry in ClinVar:

ClinVar aggregate classification (germline): Uncertain significance (1 of 4 stars; one submission).

Conditions:
Cardiovascular phenotype. Identifiers: MedGen CN230736.

Allele frequency attached by ClinVar (database versions not stated): ExAC 0.00001; gnomAD 0.00001; gnomAD exomes 0.00002; TOPMed 0.00002.

Submission:

Ambry Genetics
Classification: Uncertain significance for Cardiovascular phenotype. Last evaluated: 2023-10-10. Review status: criteria provided, single submitter. Criteria: Ambry Variant Classification Scheme 2023. Collection method: clinical testing. Allele origin: germline.
Comment: The p.H2483Y variant (also known as c.7447C>T), located in coding exon 20 of the TNXB gene, results from a C to T substitution at nucleotide position 7447. The histidine at codon 2483 is replaced by tyrosine, an amino acid with similar properties. This amino acid position is well conserved in available vertebrate species. In addition, this alteration is predicted to be tolerated by in silico analysis. Since supporting evidence is limited at this time, the clinical significance of this alteration remains unclear.

NM_001365276.2(TNXB):c.7447C>T (p.His2483Tyr)

Gene: TNXB (tenascin XB; minus strand). Cytogenetic location: 6p21.33.
Variant type: single nucleotide variant.
Coding change: c.7447C>T on transcript NM_001365276.2 (MANE Select); coding-DNA position 7447, C replaced by T.
Protein change: p.His2483Tyr; replaces histidine 2483 with tyrosine.
Molecular consequence: missense variant.
Genome position (GRCh38, 1-based): chr6:32,061,442, G>A on the plus strand (C>T on the coding strand, the complement: TNXB is on the minus strand). VCF-style: chr6-32061442-G-A. GRCh37 (hg19) VCF-style: chr6-32029219-G-A.
Other names: c.7447C>T, p.His2483Tyr (NM_019105.8); short protein forms H2483Y.
Identifiers: ClinVar variation 1758947 (VCV001758947.2), dbSNP rs769844119, ClinGen allele CA3734156.
Genomic context (GRCh38, chr6:32,061,442, plus strand): 5'-CCAAGCACTACTCACCAGTCACGCCCACGGTGGACACCGGGCCCACGCGCCGCCCCTCGT[G>A]GAGGCCATACAGGTGCATCTTGTATTTGCGCCCAGGCTCCAGGCCCCCCACGGTGACCTC-3'
Protein context (NP_001352205.1, residues 2473-2493): RKYKMHLYGL[His2483Tyr]EGRRVGPVST